The following is an entry in ClinVar:

ClinVar aggregate classification (germline): Conflicting classifications of pathogenicity. Review status: criteria provided, conflicting classifications (1 of 4 stars). 4 submissions from 4 submitters: Pathogenic (1); Uncertain significance (2). 1 of the submissions does not count toward it. Last evaluated 2026-07-10.

Conditions:
Isovaleryl-CoA dehydrogenase deficiency (IVA). Also called: ISOVALERIC ACID CoA DEHYDROGENASE DEFICIENCY; IVD DEFICIENCY; Classic Isovaleric Acidemia; Isovaleric acidemia. Identifiers: Orphanet 33, MedGen C0268575, MONDO:0009475, OMIM 243500.

Allele frequency attached by ClinVar (database versions not stated): gnomAD exomes below 0.00001.
gnomAD v4.1: 20 of 1,613,878 alleles (0.0012%); highest among the groups gnomAD compares: Non-Finnish European, 0.0017%; no homozygotes.

Submissions (4):

Myriad Genetics, Inc.
Classification: Uncertain significance for Isovaleryl-CoA dehydrogenase deficiency. Last evaluated: 2026-07-10. Review status: criteria provided, single submitter. Criteria: Myriad Autosomal Dominant, Autosomal Recessive and X-Linked Classification Criteria (2023). Collection method: clinical testing. Allele origin: unknown.
Comment: NM_002225.3(IVD):c.1145T>C(F382S) is a missense variant classified as a variant of uncertain significance in the context of isovaleric acidemia. F382S has been observed in cases with relevant disease (PMID: 37443404, 26112015, 39318119, 15486829). Relevant functional assessments of this variant are not available in the literature. F382S has been observed in referenced population frequency databases. In summary, there is insufficient evidence to classify NM_002225.3(IVD):c.1145T>C(F382S) as pathogenic or benign. Please note: this variant was assessed in the context of healthy population screening.

Genomic Medicine Center of Excellence, King Faisal Specialist Hospital and Research Centre
Classification: Pathogenic for Isovaleryl-CoA dehydrogenase deficiency. Last evaluated: 2024-12-18. Review status: criteria provided, single submitter. Criteria: ACMG Guidelines, 2015. Collection method: clinical testing. Allele origin: germline.

Labcorp Genetics (formerly Invitae), Labcorp
Classification: Uncertain significance for Isovaleryl-CoA dehydrogenase deficiency. Last evaluated: 2021-08-13. Review status: criteria provided, single submitter. Criteria: Invitae Variant Classification Sherloc (09022015). Collection method: clinical testing. Allele origin: germline.
Comment: This sequence change replaces phenylalanine with serine at codon 382 of the IVD protein (p.Phe382Ser). The phenylalanine residue is weakly conserved and there is a large physicochemical difference between phenylalanine and serine. This variant is not present in population databases (ExAC no frequency). This missense change has been observed in individual(s) with isovaleric acidemia (Invitae). This variant is also known as Phe350Ser. Algorithms developed to predict the effect of missense changes on protein structure and function (SIFT, PolyPhen-2, Align-GVGD) all suggest that this variant is likely to be disruptive. In summary, the available evidence is currently insufficient to determine the role of this variant in disease. Therefore, it has been classified as a Variant of Uncertain Significance.

Natera, Inc.
Classification: Uncertain significance for Isovaleryl-coa dehydrogenase deficiency. Last evaluated: 2020-01-16. Review status: no assertion criteria provided. Collection method: clinical testing. Allele origin: germline. Not counted in ClinVar's aggregate classification.

Literature cited by the submitters: PubMed 15486829 (cited by Myriad Genetics, Inc.); PubMed 26112015 (cited by Myriad Genetics, Inc.); PubMed 37443404 (cited by Myriad Genetics, Inc.); PubMed 39318119 (cited by Myriad Genetics, Inc.).

NM_002225.5(IVD):c.1136T>C (p.Phe379Ser)

Gene: IVD (isovaleryl-CoA dehydrogenase; plus strand). Cytogenetic location: 15q15.1.
Variant type: single nucleotide variant.
Coding change: c.1136T>C on transcript NM_002225.5 (MANE Select); coding-DNA position 1136, T replaced by C.
Protein change: p.Phe379Ser; replaces phenylalanine 379 with serine.
Molecular consequence: missense variant. On other transcripts: non-coding transcript variant (1).
Genome position (GRCh38, 1-based): chr15:40,416,360, T>C. VCF-style: chr15-40416360-T-C. GRCh37 (hg19) VCF-style: chr15-40708559-T-C.
Other names: c.1046T>C, p.Phe349Ser (NM_001159508.3); c.1088T>C, p.Phe363Ser (NM_001354597.3); c.1136T>C, p.Phe379Ser (NM_001354598.3, NM_001354601.3); c.1223T>C, p.Phe408Ser (NM_001354599.3, NM_001354600.3); short protein forms F349S, F363S, F379S, F408S.
Identifiers: ClinVar variation 1009175 (VCV001009175.8), dbSNP rs1469021843, ClinGen allele CA391723926.
Genomic context (GRCh38, chr15:40,416,360, plus strand): 5'-GTGTGATTCTTTACTCAGCTGAGTGTGCCACACAGGTAGCCCTGGACGGCATTCAGTGTT[T>C]TGGTGAGTGATCCCCACTTCCCAGTCCCGGGGCTCCCTCACTCCTGGGGCCTGTGGCTGC-3'
Protein context (NP_002216.3, residues 369-389): TQVALDGIQC[Phe379Ser]GGNGYINDFP